The following is an entry in ClinVar:

NM_001276270.2(MBD4):c.1648G>A (p.Val550Met)

Gene: MBD4 (methyl-CpG binding domain 4, DNA glycosylase; minus strand). Cytogenetic location: 3q21.3.
Variant type: single nucleotide variant.
Coding change: c.1648G>A on transcript NM_001276270.2 (MANE Select); coding-DNA position 1648, G replaced by A.
Protein change: p.Val550Met; replaces valine 550 with methionine.
Molecular consequence: missense variant.
Genome position (GRCh38, 1-based): chr3:129,431,578, C>T on the plus strand (G>A on the coding strand, the complement: MBD4 is on the minus strand). VCF-style: chr3-129431578-C-T. GRCh37 (hg19) VCF-style: chr3-129150421-C-T.
Other names: c.1613G>A, p.Gly538Asp (NM_001276272.2); c.712G>A, p.Val238Met (NM_001276273.2); c.1666G>A, p.Val556Met (NM_003925.3); short protein forms V556M, V238M, V550M, G538D.
Identifiers: ClinVar variation 3870850 (VCV003870850.1).
Genomic context (GRCh38, chr3:129,431,578, plus strand): 5'-TTTCATGATTTTCCCAAAGCCAGTCATGATATTTATTTAATTTGTGGTCTTCAGGGTGCA[C>T]CTGGAAGAAACATAAGATACAGAGGCAGAGACCTTAATGTAACTTAGTCAGAAATACATT-3'
Protein context (NP_001263199.1, residues 540-560): RIFCVNEWKQ[Val550Met]HPEDHKLNKY

ClinVar aggregate classification (germline): Uncertain significance (1 of 4 stars; one submission).

Conditions:
Inborn genetic diseases. Identifiers: MedGen C0950123, MeSH D030342.

Submission:

Ambry Genetics
Classification: Uncertain significance for Inborn genetic diseases. Last evaluated: 2024-12-12. Review status: criteria provided, single submitter. Criteria: Ambry Variant Classification Scheme 2023. Collection method: clinical testing. Allele origin: germline.
Comment: The p.V550M variant (also known as c.1648G>A) is located in coding exon 8 of the MBD4 gene. The valine at codon 550 is replaced by methionine, an amino acid with highly similar properties. This change occurs in the first base pair of coding exon 8. This amino acid position is conserved. In addition, this alteration is predicted to be deleterious by in silico analysis. Based on the available evidence, the clinical significance of this variant remains unclear.